The following is an entry in ClinVar:

NM_001099274.3(TINF2):c.115C>G (p.Arg39Gly)

Genes: TINF2 (TERF1 interacting nuclear factor 2; minus strand), LOC130055403 (ATAC-STARR-seq lymphoblastoid active region 8199; plus strand). Cytogenetic location: 14q12.
Variant type: single nucleotide variant.
Coding change: c.115C>G on transcript NM_001099274.3 (MANE Select); coding-DNA position 115, C replaced by G.
Protein change: p.Arg39Gly; replaces arginine 39 with glycine.
Molecular consequence: missense variant.
Genome position (GRCh38, 1-based): chr14:24,242,218, G>C on the plus strand (C>G on the coding strand, the complement: TINF2 is on the minus strand). VCF-style: chr14-24242218-G-C. GRCh37 (hg19) VCF-style: chr14-24711424-G-C.
Other names: c.115C>G, p.Arg39Gly (NM_001363668.2, NM_012461.3); short protein forms R39G.
Identifiers: ClinVar variation 639361 (VCV000639361.9), dbSNP rs1367518236, ClinGen allele CA389235732.

ClinVar aggregate classification (germline): Uncertain significance (1 of 4 stars; one submission).

Conditions:
Dyskeratosis congenita. Identifiers: Orphanet 1775, MedGen C0265965, MONDO:0015780.

Submission:

Labcorp Genetics (formerly Invitae), Labcorp
Classification: Uncertain significance for Dyskeratosis congenita. Last evaluated: 2018-09-26. Review status: criteria provided, single submitter. Criteria: Invitae Variant Classification Sherloc (09022015). Collection method: clinical testing. Allele origin: germline.
Comment: This sequence change replaces arginine with glycine at codon 39 of the TINF2 protein (p.Arg39Gly). The arginine residue is moderately conserved and there is a moderate physicochemical difference between arginine and glycine. This variant is not present in population databases (ExAC no frequency). This variant has not been reported in the literature in individuals with TINF2-related disease. Algorithms developed to predict the effect of missense changes on protein structure and function output the following: SIFT: "Tolerated"; PolyPhen-2: "Benign"; Align-GVGD: "Class C0". The glycine amino acid residue is found in multiple mammalian species, suggesting that this missense change does not adversely affect protein function. These predictions have not been confirmed by published functional studies and their clinical significance is uncertain. In summary, the available evidence is currently insufficient to determine the role of this variant in disease. Therefore, it has been classified as a Variant of Uncertain Significance.